The following is an entry in ClinVar:

NM_001330260.2(SCN8A):c.1204C>G (p.Leu402Val)

Gene: SCN8A (sodium voltage-gated channel alpha subunit 8; plus strand). Cytogenetic location: 12q13.13.
Variant type: single nucleotide variant.
Coding change: c.1204C>G on transcript NM_001330260.2 (MANE Select); coding-DNA position 1204, C replaced by G.
Protein change: p.Leu402Val; replaces leucine 402 with valine.
Molecular consequence: missense variant.
Genome position (GRCh38, 1-based): chr12:51,705,486, C>G. VCF-style: chr12-51705486-C-G. GRCh37 (hg19) VCF-style: chr12-52099270-C-G.
Other names: c.1204C>G, p.Leu402Val (NM_001177984.3, NM_001369788.1, NM_014191.4); short protein forms L402V.
Identifiers: ClinVar variation 3635184 (VCV003635184.2).

ClinVar aggregate classification (germline): Uncertain significance (1 of 4 stars; one submission).

Conditions:
Early-infantile DEE. Also called: Early infantile epileptic encephalopathy; Ohtahara syndrome; Early infantile epileptic encephalopathy with suppression bursts. Identifiers: Orphanet 1934, MedGen C0393706, MONDO:0800491.

Submission:

Labcorp Genetics (formerly Invitae), Labcorp
Classification: Uncertain significance for Early-infantile DEE. Last evaluated: 2024-04-27. Review status: criteria provided, single submitter. Criteria: Invitae Variant Classification Sherloc (09022015). Collection method: clinical testing. Allele origin: germline.
Comment: This sequence change replaces leucine, which is neutral and non-polar, with valine, which is neutral and non-polar, at codon 402 of the SCN8A protein (p.Leu402Val). This variant is not present in population databases (gnomAD no frequency). This variant has not been reported in the literature in individuals affected with SCN8A-related conditions. Advanced modeling of protein sequence and biophysical properties (such as structural, functional, and spatial information, amino acid conservation, physicochemical variation, residue mobility, and thermodynamic stability) has been performed at Invitae for this missense variant, however the output from this modeling did not meet the statistical confidence thresholds required to predict the impact of this variant on SCN8A protein function. In summary, the available evidence is currently insufficient to determine the role of this variant in disease. Therefore, it has been classified as a Variant of Uncertain Significance.